The following is an entry in ClinVar:

NM_172069.4(PLEKHH2):c.4176T>C (p.Tyr1392=)

Gene: PLEKHH2 (pleckstrin homology, MyTH4 and FERM domain containing H2; plus strand). Cytogenetic location: 2p21.
Variant type: single nucleotide variant.
Coding change: c.4176T>C on transcript NM_172069.4 (MANE Select); coding-DNA position 4176, T replaced by C.
Protein change: p.Tyr1392=; no amino-acid change (tyrosine 1392 retained).
Molecular consequence: synonymous variant.
Genome position (GRCh38, 1-based): chr2:43,764,245, T>C. VCF-style: chr2-43764245-T-C. GRCh37 (hg19) VCF-style: chr2-43991384-T-C.
Identifiers: ClinVar variation 2650860 (VCV002650860.25), dbSNP rs34587045, ClinGen allele CA1635484.

ClinVar aggregate classification (germline): Likely benign. Review status: criteria provided, multiple submitters, no conflicts (2 of 4 stars). 2 submissions from 2 submitters: Likely benign (2). Last evaluated 2022-05-01.

Allele frequency attached by ClinVar (database versions not stated): gnomAD exomes 0.00012; 1000 Genomes Project 0.00040; 1000 Genomes Project 30x 0.00047; ExAC 0.00051; gnomAD 0.00151; TOPMed 0.00172; ESP Exome Variant Server 0.00185.
gnomAD v4.1: 412 of 1,517,786 alleles (0.027%); highest among the groups gnomAD compares: African/African-American, 0.53%; 1 homozygote.

Submissions (2):

CeGaT Center for Human Genetics Tuebingen
Classification: Likely benign. Last evaluated: 2022-05-01. Review status: criteria provided, single submitter. Criteria: CeGaT Center For Human Genetics Tuebingen Variant Classification Criteria Version 2. Collection method: clinical testing. Allele origin: germline. Affected: yes. Observed: 1 variant allele.
Comment: PLEKHH2: BP4, BP7

Breakthrough Genomics
Classification: Likely benign. Review status: criteria provided, single submitter. Criteria: ACMG Guidelines, 2015. Collection method: not provided. Allele origin: germline. Inheritance: Unknown mechanism. Affected: yes.